The following is an entry in ClinVar:

ClinVar aggregate classification (germline): Pathogenic (1 of 4 stars; one submission).

Conditions:
Charcot-Marie-Tooth disease type 4. Also called: Charcot-Marie-Tooth disease, type IV; Charcot-Marie-Tooth, Type 4. Identifiers: Orphanet 64749, MedGen C4082197, MONDO:0018995.

Submission:

Labcorp Genetics (formerly Invitae), Labcorp
Classification: Pathogenic for Charcot-Marie-Tooth disease type 4. Last evaluated: 2026-01-14. Review status: criteria provided, single submitter. Criteria: Invitae Variant Classification Sherloc (09022015). Collection method: clinical testing. Allele origin: germline.
Comment: This sequence change creates a premature translational stop signal (p.Pro611Glyfs*40) in the FIG4 gene. It is expected to result in an absent or disrupted protein product. Loss-of-function variants in FIG4 are known to be pathogenic (PMID: 23623387, 30740813). This variant is not present in population databases (gnomAD no frequency). This variant has not been reported in the literature in individuals affected with FIG4-related conditions. For these reasons, this variant has been classified as Pathogenic.

Literature cited by the submitters: PubMed 23623387; PubMed 30740813.

NM_014845.6(FIG4):c.1823_1829dup (p.Pro611fs)

Gene: FIG4 (FIG4 phosphoinositide 5-phosphatase; plus strand). Cytogenetic location: 6q21.
Variant type: Duplication.
Coding change: c.1823_1829dup on transcript NM_014845.6 (MANE Select); coding-DNA positions 1823 to 1829, 7 bases duplicated (GGGAGCT; older notation c.1823_1829dupGGGAGCT).
Protein change: p.Pro611fs; shifts the reading frame from proline 611.
Molecular consequence: frameshift variant.
Genome position (GRCh38, 1-based): chr6:109,776,994-109,777,000, GGGAGCT duplicated; duplicating any 7 consecutive bases within chr6:109,776,992-109,777,000 gives the same sequence; the c. name uses the placement nearest the transcript's 3' end. VCF-style (leftmost placement, unchanged base first): chr6-109776991-T-TCTGGGAG. GRCh37 (hg19) VCF-style: chr6-110098194-T-TCTGGGAG.
Other names: short protein forms P611fs.
Identifiers: ClinVar variation 4777590 (VCV004777590.1).
Genomic context (GRCh38, chr6:109,776,991, plus strand): 5'-GACAAGATTCCATTAATCTCTTCCTGGGAGTTTTCCATCCCACTGAAGGGAAACCTCATC[T>TCTGGGAG]CTGGGAGCTCCCAACAGATTTTTATTTGCATCACAAAAATACCATGAGACTTTTGCCAAC-3'